The following is an entry in ClinVar:

NM_001134363.3(RBM20):c.3648C>T (p.Ser1216=)

Gene: RBM20 (RNA binding motif protein 20; plus strand). Cytogenetic location: 10q25.2.
Variant type: single nucleotide variant.
Coding change: c.3648C>T on transcript NM_001134363.3 (MANE Select); coding-DNA position 3648, C replaced by T.
Protein change: p.Ser1216=; no amino-acid change (serine 1216 retained).
Molecular consequence: synonymous variant.
Genome position (GRCh38, 1-based): chr10:110,835,942, C>T. VCF-style: chr10-110835942-C-T. GRCh37 (hg19) VCF-style: chr10-112595700-C-T.
Other names: c.3648C>T (LRG_382t1).
Identifiers: ClinVar variation 264328 (VCV000264328.30), dbSNP rs554167951, ClinGen allele CA5688811.

ClinVar aggregate classification (germline): Conflicting classifications of pathogenicity. Review status: criteria provided, conflicting classifications (1 of 4 stars). 11 submissions from 11 submitters: Uncertain significance (1); Benign (1); Likely benign (6). 3 of the submissions do not count toward it. Last evaluated 2026-03-27.

Conditions:
RBM20-related disorder. Also called: RBM20-related condition.
Cardiovascular phenotype. Identifiers: MedGen CN230736.
Dilated cardiomyopathy 1DD (CMD1DD). Identifiers: Orphanet 154, MedGen C2750995, MONDO:0013168, OMIM 613172.

Allele frequency attached by ClinVar (database versions not stated): gnomAD exomes 0.00007 and 0.00024; ExAC 0.00010; 1000 Genomes Project 30x 0.00031; gnomAD 0.00031 and 0.00033; 1000 Genomes Project 0.00040; TOPMed 0.00040.
gnomAD v4.1: 134 of 1,394,512 alleles (0.0096%); highest among the groups gnomAD compares: Admixed American, 0.083%; no homozygotes.

Submissions (11):

Molecular Diagnostic Laboratory for Inherited Cardiovascular Disease, Montreal Heart Institute
Classification: Likely benign. Last evaluated: 2026-03-27. Review status: criteria provided, single submitter. Criteria: ACMG Guidelines, 2015. Collection method: clinical testing. Allele origin: germline. Affected: no.
Comment: BS1;BP7

PreventionGenetics, part of Exact Sciences
Classification: Likely benign for RBM20-related condition. Last evaluated: 2026-03-25. Review status: criteria provided, single submitter. Criteria: ACMG Guidelines, 2015. Collection method: clinical testing. Allele origin: germline.
Comment: This variant is classified as likely benign based on ACMG/AMP sequence variant interpretation guidelines (Richards et al. 2015 PMID: 25741868, with internal and published modifications).

Labcorp Genetics (formerly Invitae), Labcorp
Classification: Likely benign for Dilated cardiomyopathy 1DD. Last evaluated: 2026-02-04. Review status: criteria provided, single submitter. Criteria: Invitae Variant Classification Sherloc (09022015). Collection method: clinical testing. Allele origin: germline.

Blueprint Genetics
Classification: Likely benign. Last evaluated: 2024-10-15. Review status: criteria provided, single submitter. Criteria: ACMG Guidelines, 2015. Collection method: clinical testing. Allele origin: germline.

Women's Health and Genetics/Laboratory Corporation of America, LabCorp
Classification: Benign. Last evaluated: 2022-08-06. Review status: criteria provided, single submitter. Criteria: LabCorp Variant Classification Summary - May 2015. Collection method: clinical testing. Allele origin: germline.

GeneDx
Classification: Likely benign. Last evaluated: 2020-10-05. Review status: criteria provided, single submitter. Criteria: GeneDx Variant Classification Process June 2021. Collection method: clinical testing. Allele origin: germline. Affected: yes.

Illumina Laboratory Services, Illumina
Classification: Uncertain significance for Dilated cardiomyopathy 1DD. Last evaluated: 2018-01-13. Review status: criteria provided, single submitter. Criteria: ICSL Variant Classification Criteria 13 December 2019. Collection method: clinical testing. Allele origin: germline.

Ambry Genetics
Classification: Likely benign for Cardiovascular phenotype. Last evaluated: 2015-09-21. Review status: criteria provided, single submitter. Criteria: Ambry Variant Classification Scheme 2023. Collection method: clinical testing. Allele origin: germline.

Clinical Genetics DNA and cytogenetics Diagnostics Lab, Erasmus MC, Erasmus Medical Center
Classification: Likely benign. Review status: no assertion criteria provided. Collection method: clinical testing. Allele origin: germline. Affected: yes. Study: VKGL Data-share Consensus. Not counted in ClinVar's aggregate classification.

Clinical Genetics, Academic Medical Center
Classification: Benign. Review status: no assertion criteria provided. Collection method: clinical testing. Allele origin: germline. Affected: yes. Study: VKGL Data-share Consensus. Not counted in ClinVar's aggregate classification.

Genome Diagnostics Laboratory, University Medical Center Utrecht
Classification: Likely benign. Review status: no assertion criteria provided. Collection method: clinical testing. Allele origin: germline. Affected: yes. Study: VKGL Data-share Consensus. Not counted in ClinVar's aggregate classification.